The following is an entry in ClinVar:

ClinVar aggregate classification (germline): Uncertain significance (1 of 4 stars; one submission).

Conditions:
Microcephaly, epilepsy, and diabetes syndrome. Identifiers: Orphanet 306558, MedGen C3280240, MONDO:0100328.

Allele frequency attached by ClinVar (database versions not stated): gnomAD exomes below 0.00001 and 0.00001; ExAC 0.00001.
gnomAD v4.1: 5 of 1,614,000 alleles (0.00031%); highest among the groups gnomAD compares: Non-Finnish European, 0.00042%; no homozygotes.

Submission:

Labcorp Genetics (formerly Invitae), Labcorp
Classification: Uncertain significance for Microcephaly, epilepsy, and diabetes syndrome. Last evaluated: 2021-12-13. Review status: criteria provided, single submitter. Criteria: Invitae Variant Classification Sherloc (09022015). Collection method: clinical testing. Allele origin: germline.
Comment: This sequence change replaces glycine, which is neutral and non-polar, with serine, which is neutral and polar, at codon 40 of the IER3IP1 protein (p.Gly40Ser). This variant is present in population databases (rs753437838, gnomAD 0.0009%). This variant has not been reported in the literature in individuals affected with IER3IP1-related conditions. ClinVar contains an entry for this variant (Variation ID: 1064048). Algorithms developed to predict the effect of missense changes on protein structure and function (SIFT, PolyPhen-2, Align-GVGD) all suggest that this variant is likely to be tolerated. In summary, the available evidence is currently insufficient to determine the role of this variant in disease. Therefore, it has been classified as a Variant of Uncertain Significance.

NM_016097.5(IER3IP1):c.118G>A (p.Gly40Ser)

Gene: IER3IP1 (immediate early response 3 interacting protein 1; minus strand). Cytogenetic location: 18q21.1.
Variant type: single nucleotide variant.
Coding change: c.118G>A on transcript NM_016097.5 (MANE Select); coding-DNA position 118, G replaced by A.
Protein change: p.Gly40Ser; replaces glycine 40 with serine.
Molecular consequence: missense variant.
Genome position (GRCh38, 1-based): chr18:47,157,511, C>T on the plus strand (G>A on the coding strand, the complement: IER3IP1 is on the minus strand). VCF-style: chr18-47157511-C-T. GRCh37 (hg19) VCF-style: chr18-44683882-C-T.
Other names: short protein forms G40S.
Identifiers: ClinVar variation 1064048 (VCV001064048.4), dbSNP rs753437838, ClinGen allele CA8955721.